The following is an entry in ClinVar:

NM_000143.4(FH):c.473G>A (p.Ser158Asn)

Gene: FH (fumarate hydratase; minus strand). Cytogenetic location: 1q43.
Variant type: single nucleotide variant.
Coding change: c.473G>A on transcript NM_000143.4 (MANE Select); coding-DNA position 473, G replaced by A.
Protein change: p.Ser158Asn; replaces serine 158 with asparagine.
Molecular consequence: missense variant.
Genome position (GRCh38, 1-based): chr1:241,512,049, C>T on the plus strand (G>A on the coding strand, the complement: FH is on the minus strand). VCF-style: chr1-241512049-C-T. GRCh37 (hg19) VCF-style: chr1-241675349-C-T.
Other names: short protein forms S158N.
Identifiers: ClinVar variation 405922 (VCV000405922.18), dbSNP rs1060500902, ClinGen allele CA16610060.
Genomic context (GRCh38, chr1:241,512,049, plus strand): 5'-TTGGGATGCACAGGTATCTTGCTGCCAAGTTCACCTCCTAACATTTCAATTGCTCTATTG[C>T]TAATGACTTCATTTACATTCATATTTGTCTGAGTTCCTGATCCAGTCTGCCATACCACGA-3'
Protein context (NP_000134.2, residues 148-168): QTNMNVNEVI[Ser158Asn]NRAIEMLGGE

ClinVar aggregate classification (germline): Uncertain significance. Review status: criteria provided, multiple submitters, no conflicts (2 of 4 stars). 4 submissions from 4 submitters: Uncertain significance (4). Last evaluated 2026-04-28.

Conditions:
Hereditary cancer-predisposing syndrome. Also called: Hereditary Cancer Syndrome; Tumor predisposition; Hereditary neoplastic syndrome; Neoplastic Syndromes, Hereditary. Identifiers: Orphanet 140162, MedGen C0027672, MeSH D009386, MONDO:0015356.

Allele frequency attached by ClinVar (database versions not stated): gnomAD exomes below 0.00001; TOPMed below 0.00001.
gnomAD v4.1: 2 of 1,613,842 alleles (0.00012%); highest among the groups gnomAD compares: South Asian, 0.0011%; no homozygotes.

Submissions (4):

Ambry Genetics
Classification: Uncertain significance for Hereditary cancer-predisposing syndrome. Last evaluated: 2026-04-28. Review status: criteria provided, single submitter. Criteria: Ambry Variant Classification Scheme 2023. Collection method: clinical testing. Allele origin: germline.
Comment: The p.S158N variant (also known as c.473G>A), located in coding exon 4 of the FH gene, results from a G to A substitution at nucleotide position 473. The serine at codon 158 is replaced by asparagine, an amino acid with highly similar properties. This variant was reported in individual(s) with features consistent with FH-related tumor predisposition (Ambry internal data). This amino acid position is highly conserved in available vertebrate species. In addition, this alteration is predicted to be deleterious by in silico analysis. Based on the available evidence, the clinical significance of this variant remains unclear.

Center for Genomic Medicine, Rigshospitalet, Copenhagen University Hospital
Classification: Uncertain significance. Last evaluated: 2025-03-04. Review status: criteria provided, single submitter. Criteria: ACMG Guidelines, 2015. Collection method: clinical testing. Allele origin: germline.

Labcorp Genetics (formerly Invitae), Labcorp
Classification: Uncertain significance. Last evaluated: 2025-02-18. Review status: criteria provided, single submitter. Criteria: Invitae Variant Classification Sherloc (09022015). Collection method: clinical testing. Allele origin: germline.
Comment: This sequence change replaces serine, which is neutral and polar, with asparagine, which is neutral and polar, at codon 158 of the FH protein (p.Ser158Asn). This variant is not present in population databases (gnomAD no frequency). This variant has not been reported in the literature in individuals affected with FH-related conditions. ClinVar contains an entry for this variant (Variation ID: 405922). Invitae Evidence Modeling of protein sequence and biophysical properties (such as structural, functional, and spatial information, amino acid conservation, physicochemical variation, residue mobility, and thermodynamic stability) indicates that this missense variant is expected to disrupt FH protein function with a positive predictive value of 95%. In summary, the available evidence is currently insufficient to determine the role of this variant in disease. Therefore, it has been classified as a Variant of Uncertain Significance.

GeneDx
Classification: Uncertain significance. Last evaluated: 2022-08-02. Review status: criteria provided, single submitter. Criteria: GeneDx Variant Classification Process June 2021. Collection method: clinical testing. Allele origin: germline. Affected: yes.
Comment: Not observed at significant frequency in large population cohorts (gnomAD); In silico analysis supports that this missense variant has a deleterious effect on protein structure/function; Has not been previously published as pathogenic or benign to our knowledge; Also known as S115N